The following is an entry in ClinVar:

NM_001387430.1(SH2B1):c.127C>T (p.Arg43Cys)

Gene: SH2B1 (SH2B adaptor protein 1; plus strand). Cytogenetic location: 16p11.2.
Variant type: single nucleotide variant.
Coding change: c.127C>T on transcript NM_001387430.1 (MANE Select); coding-DNA position 127, C replaced by T.
Protein change: p.Arg43Cys; replaces arginine 43 with cysteine.
Molecular consequence: missense variant. On other transcripts: intron variant (1).
Genome position (GRCh38, 1-based): chr16:28,866,221, C>T. VCF-style: chr16-28866221-C-T. GRCh37 (hg19) VCF-style: chr16-28877542-C-T.
Other names: c.127C>T, p.Arg43Cys (NM_001145795.2, NM_001145796.2, NM_001145797.2 and 4 more transcripts); c.-26-1153C>T (NM_001308294.2); short protein forms R43C.
Identifiers: ClinVar variation 3055730 (VCV003055730.3), dbSNP rs547678855, ClinGen allele CA7985853.

ClinVar aggregate classification (germline): Uncertain significance (1 of 4 stars; one submission).

Conditions:
SH2B1-related disorder. Also called: SH2B1-related condition.

Allele frequency attached by ClinVar (database versions not stated): ExAC 0.00004; 1000 Genomes Project 30x 0.00047; 1000 Genomes Project 0.00060.
gnomAD v4.1: 39 of 1,609,326 alleles (0.0024%); highest among the groups gnomAD compares: African/African-American, 0.021%; no homozygotes.

Submission:

PreventionGenetics, part of Exact Sciences
Classification: Uncertain significance for SH2B1-related condition. Last evaluated: 2025-07-28. Review status: criteria provided, single submitter. Criteria: ACMG Guidelines, 2015. Collection method: clinical testing. Allele origin: germline.
Comment: The SH2B1 c.127C>T variant is predicted to result in the amino acid substitution p.Arg43Cys. To our knowledge, this variant has not been reported in the literature. This variant is reported in 0.022% of alleles in individuals of African descent in gnomAD. At this time, the clinical significance of this variant is uncertain due to the absence of conclusive functional and genetic evidence.